The following is an entry in ClinVar:

ClinVar aggregate classification (germline): Benign. Review status: criteria provided, multiple submitters, no conflicts (2 of 4 stars). 7 submissions from 7 submitters: Benign (7). Last evaluated 2026-02-04.

Conditions:
Osteogenesis imperfecta type 6. Also called: Osteogenesis imperfecta, type VI. Identifiers: Orphanet 666, MedGen C3279564, MONDO:0013515, OMIM 613982.

Allele frequency attached by ClinVar (database versions not stated): ESP Exome Variant Server 0.24796; TOPMed 0.26675; gnomAD 0.27102 and 0.27779; 1000 Genomes Project 30x 0.29482; 1000 Genomes Project 0.30032; gnomAD exomes 0.31125 and 0.32673; ExAC 0.31609.
gnomAD v4.1: 495,985 of 1,613,536 alleles (31%); highest among the groups gnomAD compares: East Asian, 41%; 79,292 homozygotes.

Submissions (7):

Labcorp Genetics (formerly Invitae), Labcorp
Classification: Benign. Last evaluated: 2026-02-04. Review status: criteria provided, single submitter. Criteria: Invitae Variant Classification Sherloc (09022015). Collection method: clinical testing. Allele origin: germline.

Blueprint Genetics
Classification: Benign. Last evaluated: 2024-11-28. Review status: criteria provided, single submitter. Criteria: ACMG Guidelines, 2015. Collection method: clinical testing. Allele origin: germline.

Mayo Clinic Laboratories, Mayo Clinic
Classification: Benign. Last evaluated: 2022-04-26. Review status: criteria provided, single submitter. Criteria: ACMG Guidelines, 2015. Collection method: clinical testing. Allele origin: germline. Observed: 66 variant alleles.

Illumina Laboratory Services, Illumina
Classification: Benign for Osteogenesis imperfecta type 6. Last evaluated: 2018-01-13. Review status: criteria provided, single submitter. Criteria: ICSL Variant Classification Criteria 13 December 2019. Collection method: clinical testing. Allele origin: germline.
Comment: This variant was observed in the ICSL laboratory as part of a predisposition screen in an ostensibly healthy population. It had not been previously curated by ICSL or reported in the Human Gene Mutation Database (HGMD: prior to June 1st, 2018), and was therefore a candidate for classification through an automated scoring system. Utilizing variant allele frequency, disease prevalence and penetrance estimates, and inheritance mode, an automated score was calculated to assess if this variant is too frequent to cause the disease. Based on the score and internal cut-off values, a variant classified as benign is not then subjected to further curation. The score for this variant resulted in a classification of benign for this disease.

GeneDx
Classification: Benign. Last evaluated: 2017-06-09. Review status: criteria provided, single submitter. Criteria: GeneDx Variant Classification (06012015). Collection method: clinical testing. Allele origin: germline. Affected: yes.
Comment: This variant is considered likely benign or benign based on one or more of the following criteria: it is a conservative change, it occurs at a poorly conserved position in the protein, it is predicted to be benign by multiple in silico algorithms, and/or has population frequency not consistent with disease.

Breakthrough Genomics
Classification: Benign. Review status: criteria provided, single submitter. Criteria: ACMG Guidelines, 2015. Collection method: not provided. Allele origin: germline. Inheritance: Autosomal recessive inheritance. Affected: yes.

Medical Molecular Genetics Department, National Research Center
Classification: Benign for Osteogenesis imperfecta, type VI. Review status: criteria provided, single submitter. Criteria: ACMG Guidelines, 2015. Collection method: clinical testing. Allele origin: unknown. Inheritance: Autosomal recessive inheritance. Observed: 6 variant alleles.

NM_002615.7(SERPINF1):c.390T>C (p.Thr130=)

Gene: SERPINF1 (serpin family F member 1; plus strand). Cytogenetic location: 17p13.3.
Variant type: single nucleotide variant.
Coding change: c.390T>C on transcript NM_002615.7 (MANE Select); coding-DNA position 390, T replaced by C.
Protein change: p.Thr130=; no amino-acid change (threonine 130 retained).
Molecular consequence: synonymous variant. On other transcripts: 5 prime UTR variant (1).
Genome position (GRCh38, 1-based): chr17:1,771,135, T>C. VCF-style: chr17-1771135-T-C. GRCh37 (hg19) VCF-style: chr17-1674429-T-C.
Other names: p.Thr130=; c.390T>C, p.Thr130= (NM_001329903.2); c.-172T>C (NM_001329904.2).
Identifiers: ClinVar variation 322003 (VCV000322003.16), dbSNP rs8074840, ClinGen allele CA8274663.